The following is an entry in ClinVar:

ClinVar aggregate classification (germline): Conflicting classifications of pathogenicity. Review status: criteria provided, conflicting classifications (1 of 4 stars). 3 submissions from 3 submitters: Uncertain significance (1); Likely benign (2). Last evaluated 2025-08-21.

Conditions:
Bethlem myopathy 1A. Also called: Bethlem myopathy 1; Bethlem Muscular Dystrophy; MYOPATHY, BENIGN CONGENITAL, WITH CONTRACTURES. Identifiers: Orphanet 610, MedGen CN029274, MONDO:0024530, OMIM 158810.

Allele frequency attached by ClinVar (database versions not stated): gnomAD 0.00004; ExAC 0.00005; gnomAD exomes 0.00005 and 0.00006; TOPMed 0.00009.
gnomAD v4.1: 78 of 1,614,078 alleles (0.0048%); highest among the groups gnomAD compares: Admixed American, 0.013%; 1 homozygote.

Submissions (3):

Labcorp Genetics (formerly Invitae), Labcorp
Classification: Likely benign for Bethlem myopathy 1A. Last evaluated: 2025-08-21. Review status: criteria provided, single submitter. Criteria: Invitae Variant Classification Sherloc (09022015). Collection method: clinical testing. Allele origin: germline.

CeGaT Center for Human Genetics Tuebingen
Classification: Likely benign. Last evaluated: 2022-06-01. Review status: criteria provided, single submitter. Criteria: CeGaT Center For Human Genetics Tuebingen Variant Classification Criteria Version 2. Collection method: clinical testing. Allele origin: germline. Affected: yes. Observed: 1 variant allele.
Comment: COL6A3: BP4, BP7

Eurofins Ntd Llc (ga)
Classification: Uncertain significance. Last evaluated: 2016-02-10. Review status: criteria provided, single submitter. Criteria: EGL Classification Definitions 2015. Collection method: clinical testing. Allele origin: germline. Observed: 1 variant allele, 1 heterozygote.

NM_004369.4(COL6A3):c.7551C>T (p.Asn2517=)

Gene: COL6A3 (collagen type VI alpha 3 chain; minus strand). Cytogenetic location: 2q37.3.
Variant type: single nucleotide variant.
Coding change: c.7551C>T on transcript NM_004369.4 (MANE Select); coding-DNA position 7551, C replaced by T.
Protein change: p.Asn2517=; no amino-acid change (asparagine 2517 retained).
Molecular consequence: synonymous variant.
Genome position (GRCh38, 1-based): chr2:237,344,467, G>A on the plus strand (C>T on the coding strand, the complement: COL6A3 is on the minus strand). VCF-style: chr2-237344467-G-A. GRCh37 (hg19) VCF-style: chr2-238253110-G-A.
Other names: c.5730C>T, p.Asn1910= (NM_057166.5); c.6933C>T, p.Asn2311= (NM_057167.4).
Identifiers: ClinVar variation 286232 (VCV000286232.38), dbSNP rs570963533, ClinGen allele CA2187779.
Genomic context (GRCh38, chr2:237,344,467, plus strand): 5'-CCCCGCATCTGAGAGCTTGAGCACAGCCTCTCTGAGCTGTGGGGATGCTCTTGTGGGTGT[G>A]TTGCTGAAGAAAACAGCCACTTTCCTCATTAGGAATCCGTTCCTCACACGCTTAAATGTG-3'
Protein context (NP_004360.2, residues 2507-2527): LMRKVAVFFS[Asn2517=]TPTRASPQLR